The following is an entry in ClinVar:

NM_002439.5(MSH3):c.753A>C (p.Glu251Asp)

Gene: MSH3 (mutS homolog 3; plus strand). Cytogenetic location: 5q14.1.
Variant type: single nucleotide variant.
Coding change: c.753A>C on transcript NM_002439.5 (MANE Select); coding-DNA position 753, A replaced by C.
Protein change: p.Glu251Asp; replaces glutamic acid 251 with aspartic acid.
Molecular consequence: missense variant.
Genome position (GRCh38, 1-based): chr5:80,670,270, A>C. VCF-style: chr5-80670270-A-C. GRCh37 (hg19) VCF-style: chr5-79966089-A-C.
Other names: short protein forms E251D.
Identifiers: ClinVar variation 1348532 (VCV001348532.6), dbSNP rs2112812367, ClinGen allele CA360266943.
Genomic context (GRCh38, chr5:80,670,270, plus strand): 5'-GCTAGAATTACAATACATAGAAATGAAGCAGCAGCACAAAGATGCAGTTTTGTGTGTGGA[A>C]TGTGGATATAAGTATAGATTCTTTGGGGAAGATGCAGAGGTAAGTCGTCTTTTCAGGCAC-3'
Protein context (NP_002430.3, residues 241-261): QQHKDAVLCV[Glu251Asp]CGYKYRFFGE

ClinVar aggregate classification (germline): Uncertain significance (1 of 4 stars; one submission).

Submission:

Labcorp Genetics (formerly Invitae), Labcorp
Classification: Uncertain significance. Last evaluated: 2021-10-08. Review status: criteria provided, single submitter. Criteria: Invitae Variant Classification Sherloc (09022015). Collection method: clinical testing. Allele origin: germline.
Comment: In summary, the available evidence is currently insufficient to determine the role of this variant in disease. Therefore, it has been classified as a Variant of Uncertain Significance. Algorithms developed to predict the effect of missense changes on protein structure and function are either unavailable or do not agree on the potential impact of this missense change (SIFT: "Tolerated"; PolyPhen-2: "Probably Damaging"; Align-GVGD: "Class C0"). This variant has not been reported in the literature in individuals affected with MSH3-related conditions. This variant is not present in population databases (ExAC no frequency). This sequence change replaces glutamic acid with aspartic acid at codon 251 of the MSH3 protein (p.Glu251Asp). The glutamic acid residue is highly conserved and there is a small physicochemical difference between glutamic acid and aspartic acid.